The following is an entry in ClinVar:

NM_001734.5(C1S):c.251G>A (p.Gly84Glu)

Gene: C1S (complement C1s; plus strand). Cytogenetic location: 12p13.31.
Variant type: single nucleotide variant.
Coding change: c.251G>A on transcript NM_001734.5 (MANE Select); coding-DNA position 251, G replaced by A.
Protein change: p.Gly84Glu; replaces glycine 84 with glutamic acid.
Molecular consequence: missense variant. On other transcripts: 5 prime UTR variant (1).
Genome position (GRCh38, 1-based): chr12:7,062,927, G>A. VCF-style: chr12-7062927-G-A. GRCh37 (hg19) VCF-style: chr12-7170231-G-A.
Other names: c.251G>A (NM_201442.2); c.-251G>A (NM_001346850.2); c.251G>A, p.Gly84Glu (NM_201442.4); short protein forms G84E.
Identifiers: ClinVar variation 2788905 (VCV002788905.4), dbSNP rs782369053, ClinGen allele CA6423362.

ClinVar aggregate classification (germline): Uncertain significance. Review status: criteria provided, multiple submitters, no conflicts (2 of 4 stars). 2 submissions from 2 submitters: Uncertain significance (2). Last evaluated 2025-12-16.

Conditions:
Inborn genetic diseases. Identifiers: MedGen C0950123, MeSH D030342.

Allele frequency attached by ClinVar (database versions not stated): gnomAD exomes below 0.00001; ExAC 0.00001.
gnomAD v4.1: 2 of 1,614,050 alleles (0.00012%); highest among the groups gnomAD compares: South Asian, 0.0022%; no homozygotes.

Submissions (2):

Labcorp Genetics (formerly Invitae), Labcorp
Classification: Uncertain significance. Last evaluated: 2025-12-16. Review status: criteria provided, single submitter. Criteria: Invitae Variant Classification Sherloc (09022015). Collection method: clinical testing. Allele origin: germline.
Comment: This sequence change replaces glycine, which is neutral and non-polar, with glutamic acid, which is acidic and polar, at codon 84 of the C1S protein (p.Gly84Glu). This variant is present in population databases (rs782369053, gnomAD 0.003%). This variant has not been reported in the literature in individuals affected with C1S-related conditions. ClinVar contains an entry for this variant (Variation ID: 2788905). Invitae Evidence Modeling of protein sequence and biophysical properties (such as structural, functional, and spatial information, amino acid conservation, physicochemical variation, residue mobility, and thermodynamic stability) indicates that this missense variant is expected to disrupt C1S protein function with a positive predictive value of 80%. In summary, the available evidence is currently insufficient to determine the role of this variant in disease. Therefore, it has been classified as a Variant of Uncertain Significance.

Ambry Genetics
Classification: Uncertain significance for Inborn genetic diseases. Last evaluated: 2025-08-27. Review status: criteria provided, single submitter. Criteria: Ambry Variant Classification Scheme 2023. Collection method: clinical testing. Allele origin: germline.